The following is an entry in ClinVar:

ClinVar aggregate classification (germline): Uncertain significance. Review status: criteria provided, multiple submitters, no conflicts (2 of 4 stars). 3 submissions from 3 submitters: Uncertain significance (3). Last evaluated 2025-09-25.

Conditions:
EP300-related disorder. Also called: EP300-related disorders; EP300-related condition.
Rubinstein-Taybi syndrome due to EP300 haploinsufficiency. Also called: RUBINSTEIN-TAYBI SYNDROME 2; EP300-Related Rubinstein-Taybi Syndrome. Identifiers: Orphanet 353284, Orphanet 783, MedGen C3150941, MONDO:0013364, OMIM 613684.

Allele frequency attached by ClinVar (database versions not stated): TOPMed below 0.00001; gnomAD exomes 0.00002.
gnomAD v4.1: 10 of 1,614,210 alleles (0.00062%); highest among the groups gnomAD compares: Non-Finnish European, 0.00085%; no homozygotes.

Submissions (3):

Labcorp Genetics (formerly Invitae), Labcorp
Classification: Uncertain significance for Rubinstein-Taybi syndrome due to EP300 haploinsufficiency. Last evaluated: 2025-09-25. Review status: criteria provided, single submitter. Criteria: Invitae Variant Classification Sherloc (09022015). Collection method: clinical testing. Allele origin: germline.
Comment: This sequence change replaces arginine, which is basic and polar, with lysine, which is basic and polar, at codon 1324 of the EP300 protein (p.Arg1324Lys). This variant is not present in population databases (gnomAD no frequency). This variant has not been reported in the literature in individuals affected with EP300-related conditions. ClinVar contains an entry for this variant (Variation ID: 1305381). Invitae Evidence Modeling of protein sequence and biophysical properties (such as structural, functional, and spatial information, amino acid conservation, physicochemical variation, residue mobility, and thermodynamic stability) indicates that this missense variant is expected to disrupt EP300 protein function with a positive predictive value of 80%. In summary, the available evidence is currently insufficient to determine the role of this variant in disease. Therefore, it has been classified as a Variant of Uncertain Significance.

PreventionGenetics, part of Exact Sciences
Classification: Uncertain significance for EP300-related condition. Last evaluated: 2023-01-26. Review status: criteria provided, single submitter. Criteria: ACMG Guidelines, 2015. Collection method: clinical testing. Allele origin: germline.
Comment: The EP300 c.3971G>A variant is predicted to result in the amino acid substitution p.Arg1324Lys. To our knowledge, this variant has not been reported in the literature or in a large population database, indicating this variant is rare. At this time, the clinical significance of this variant is uncertain due to the absence of conclusive functional and genetic evidence.

GeneDx
Classification: Uncertain significance. Last evaluated: 2021-03-08. Review status: criteria provided, single submitter. Criteria: GeneDx Variant Classification Process June 2021. Collection method: clinical testing. Allele origin: germline. Affected: yes.
Comment: Not observed in large population cohorts (Lek et al., 2016); In silico analysis supports that this missense variant has a deleterious effect on protein structure/function; Has not been previously published as pathogenic or benign to our knowledge

NM_001429.4(EP300):c.3971G>A (p.Arg1324Lys)

Gene: EP300 (EP300 lysine acetyltransferase; plus strand). Cytogenetic location: 22q13.2.
Variant type: single nucleotide variant.
Coding change: c.3971G>A on transcript NM_001429.4 (MANE Select); coding-DNA position 3971, G replaced by A.
Protein change: p.Arg1324Lys; replaces arginine 1324 with lysine.
Molecular consequence: missense variant.
Genome position (GRCh38, 1-based): chr22:41,168,545, G>A. VCF-style: chr22-41168545-G-A. GRCh37 (hg19) VCF-style: chr22-41564549-G-A.
Other names: c.3893G>A, p.Arg1298Lys (NM_001362843.2); short protein forms R1298K, R1324K.
Identifiers: ClinVar variation 1305381 (VCV001305381.4), dbSNP rs1487546042, ClinGen allele CA411699490.